The following is an entry in ClinVar:

NM_004369.4(COL6A3):c.6838C>A (p.Pro2280Thr)

Gene: COL6A3 (collagen type VI alpha 3 chain; minus strand). Cytogenetic location: 2q37.3.
Variant type: single nucleotide variant.
Coding change: c.6838C>A on transcript NM_004369.4 (MANE Select); coding-DNA position 6838, C replaced by A.
Protein change: p.Pro2280Thr; replaces proline 2280 with threonine.
Molecular consequence: missense variant.
Genome position (GRCh38, 1-based): chr2:237,350,188, G>T on the plus strand (C>A on the coding strand, the complement: COL6A3 is on the minus strand). VCF-style: chr2-237350188-G-T. GRCh37 (hg19) VCF-style: chr2-238258831-G-T.
Other names: c.5017C>A, p.Pro1673Thr (NM_057166.5); c.6220C>A, p.Pro2074Thr (NM_057167.4); short protein forms P1673T, P2074T, P2280T.
Identifiers: ClinVar variation 1299673 (VCV001299673.7), dbSNP rs779359869, ClinGen allele CA2188064.
Genomic context (GRCh38, chr2:237,350,188, plus strand): 5'-AAGCGCGCTGTGACCTTACCGTCTCCCCACGAGGGCCCCGGTTCCCGATTCCTCCTTTTG[G>T]TCCTGGCTCTCCGGGCTCACCCTAGACATGAGAAACATGGCTGAGACCCTGTGGCCTGGG-3'
Protein context (NP_004360.2, residues 2270-2290): GRKGEPGEPG[Pro2280Thr]KGGIGNRGPR

ClinVar aggregate classification (germline): Uncertain significance. Review status: criteria provided, multiple submitters, no conflicts (2 of 4 stars). 3 submissions from 3 submitters: Uncertain significance (3). Last evaluated 2024-09-23.

Conditions:
Bethlem myopathy 1A. Also called: Bethlem myopathy 1; MYOPATHY, BENIGN CONGENITAL, WITH CONTRACTURES; Bethlem Muscular Dystrophy. Identifiers: Orphanet 610, MedGen CN029274, MONDO:0024530, OMIM 158810.

Allele frequency attached by ClinVar (database versions not stated): gnomAD exomes below 0.00001; ExAC 0.00001; gnomAD 0.00001.
gnomAD v4.1: 13 of 1,613,944 alleles (0.00081%); highest among the groups gnomAD compares: Middle Eastern, 0.016%; no homozygotes.

Submissions (3):

Labcorp Genetics (formerly Invitae), Labcorp
Classification: Uncertain significance for Bethlem myopathy 1A. Last evaluated: 2024-09-23. Review status: criteria provided, single submitter. Criteria: Invitae Variant Classification Sherloc (09022015). Collection method: clinical testing. Allele origin: germline.
Comment: This sequence change replaces proline, which is neutral and non-polar, with threonine, which is neutral and polar, at codon 2280 of the COL6A3 protein (p.Pro2280Thr). This variant is present in population databases (rs779359869, gnomAD 0.0009%). This variant has not been reported in the literature in individuals affected with COL6A3-related conditions. ClinVar contains an entry for this variant (Variation ID: 1299673). Invitae Evidence Modeling of protein sequence and biophysical properties (such as structural, functional, and spatial information, amino acid conservation, physicochemical variation, residue mobility, and thermodynamic stability) indicates that this missense variant is not expected to disrupt COL6A3 protein function with a negative predictive value of 80%. In summary, the available evidence is currently insufficient to determine the role of this variant in disease. Therefore, it has been classified as a Variant of Uncertain Significance.

Women's Health and Genetics/Laboratory Corporation of America, LabCorp
Classification: Uncertain significance. Last evaluated: 2024-06-12. Review status: criteria provided, single submitter. Criteria: LabCorp Variant Classification Summary - May 2015. Collection method: clinical testing. Allele origin: germline.
Comment: Variant summary: COL6A3 c.6838C>A (p.Pro2280Thr) results in a non-conservative amino acid change in the encoded protein sequence. Four of five in-silico tools predict a damaging effect of the variant on protein function. The variant allele was found at a frequency of 4e-06 in 251374 control chromosomes. The available data on variant occurrences in the general population are insufficient to allow any conclusion about variant significance. To our knowledge, no occurrence of c.6838C>A in individuals affected with Ullrich Congenital Muscular Dystrophy 1 and no experimental evidence demonstrating its impact on protein function have been reported. ClinVar contains an entry for this variant (Variation ID: 1299673). Based on the evidence outlined above, the variant was classified as uncertain significance.

Breda Genetics srl
Classification: Uncertain significance for Bethlem myopathy 1A. Last evaluated: 2020-09-22. Review status: criteria provided, single submitter. Criteria: ACMG Guidelines, 2015. Collection method: clinical testing. Allele origin: germline. Affected: yes. Observed: 1 variant allele, 1 heterozygote.
Comment: The variant c.6838C>A (p.Pro2280Thr) in the COL6A3 gene is reported with an estimated allele frequency of 0.000003978 in gnomAD exomes, with no homozygous individuals reported. The nucleotide position is moderately conserved across 35 mammalian species (GERP RS: 3.58). In silico analysis mostly indicates that the variant might be damaging.